The following is an entry in ClinVar:

ClinVar aggregate classification (germline): Benign. Review status: criteria provided, multiple submitters, no conflicts (2 of 4 stars). 14 submissions from 14 submitters: Benign (11). 3 of the submissions do not count toward it. Last evaluated 2026-02-04.

Conditions:
Fanconi anemia (FA). Also called: Fanconi's anemia. Identifiers: Orphanet 84, MedGen C0015625, MeSH D005199, MONDO:0019391.
Fanconi anemia complementation group A (FANCA). Also called: Fanconi anemia, group A; FANCA-Related Fanconi Anemia. Identifiers: Orphanet 84, MedGen C3469521, MONDO:0009215, OMIM 227650.

Allele frequency attached by ClinVar (database versions not stated): ESP Exome Variant Server 0.05132; ExAC 0.05380; TOPMed 0.05724; gnomAD 0.05868 and 0.05989; gnomAD exomes 0.06614; 1000 Genomes Project 30x 0.06824; 1000 Genomes Project 0.07228.
gnomAD v4.1: 120,522 of 1,551,258 alleles (7.8%); highest among the groups gnomAD compares: East Asian, 16%; 5,562 homozygotes.

Submissions (14):

Labcorp Genetics (formerly Invitae), Labcorp
Classification: Benign for Fanconi anemia. Last evaluated: 2026-02-04. Review status: criteria provided, single submitter. Criteria: Invitae Variant Classification Sherloc (09022015). Collection method: clinical testing. Allele origin: germline.

Dasa
Classification: Benign. Last evaluated: 2025-12-11. Review status: criteria provided, single submitter. Criteria: DASA Assertion Criteria. Collection method: clinical testing. Allele origin: germline.
Comment: NM_000135.4(FANCA):c.3982A>G (p.Thr1328Ala) is a missense variant that results in the substitution of threonine with alanine. Population frequency is inconsistent with a disease-causing role for this variant, and observations in unaffected individuals support a benign interpretation. Therefore, based on the currently available evidence, this variant is classified as benign.

Mayo Clinic Laboratories, Mayo Clinic
Classification: Benign. Last evaluated: 2025-09-16. Review status: criteria provided, single submitter. Criteria: ACMG Guidelines, 2015. Collection method: clinical testing. Allele origin: germline. Observed: 188 variant alleles.
Comment: BA1

ARUP Laboratories, Molecular Genetics and Genomics, ARUP Laboratories
Classification: Benign for Fanconi anemia complementation group A. Last evaluated: 2025-07-28. Review status: criteria provided, single submitter. Criteria: ARUP Molecular Germline Variant Investigation Process 2024. Collection method: clinical testing. Allele origin: germline.

GeneKor MSA
Classification: Benign for Fanconi anemia complementation group A. Last evaluated: 2025-07-10. Review status: criteria provided, single submitter. Criteria: ACMG Guidelines, 2015. Collection method: clinical testing. Allele origin: germline.

Blueprint Genetics
Classification: Benign. Last evaluated: 2024-11-27. Review status: criteria provided, single submitter. Criteria: ACMG Guidelines, 2015. Collection method: clinical testing. Allele origin: germline.

Women's Health and Genetics/Laboratory Corporation of America, LabCorp
Classification: Benign. Last evaluated: 2021-12-18. Review status: criteria provided, single submitter. Criteria: LabCorp Variant Classification Summary - May 2015. Collection method: clinical testing. Allele origin: germline.
Comment: Variant summary: FANCA c.3982A>G (p.Thr1328Ala) results in a non-conservative amino acid change in the encoded protein sequence. Two of three in-silico tools predict a benign effect of the variant on protein function. The variant allele was found at a frequency of 0.066 in 156058 control chromosomes in the gnomAD database, including 617 homozygotes. The observed variant frequency is approximately 30.55 fold of the estimated maximal expected allele frequency for a pathogenic variant in FANCA causing Fanconi Anemia phenotype (0.0022), strongly suggesting that the variant is benign. Six clinical diagnostic laboratories have submitted clinical-significance assessments for this variant to ClinVar after 2014 without evidence for independent evaluation. Five classified the variant as benign while one classified as pathogenic. Based on the evidence outlined above, the variant was classified as benign.

GeneDx
Classification: Benign. Last evaluated: 2019-03-12. Review status: criteria provided, single submitter. Criteria: GeneDx Variant Classification Process June 2021. Collection method: clinical testing. Allele origin: germline. Affected: yes.
Comment: This variant is associated with the following publications: (PMID: 31586946, 9371798, 27121516)

Illumina Laboratory Services, Illumina
Classification: Benign for Fanconi anemia complementation group A. Last evaluated: 2018-01-13. Review status: criteria provided, single submitter. Criteria: ICSL Variant Classification Criteria 13 December 2019. Collection method: clinical testing. Allele origin: germline.
Comment: This variant was observed in the ICSL laboratory as part of a predisposition screen in an ostensibly healthy population. It had not been previously curated by ICSL or reported in the Human Gene Mutation Database (HGMD: prior to June 1st, 2018), and was therefore a candidate for classification through an automated scoring system. Utilizing variant allele frequency, disease prevalence and penetrance estimates, and inheritance mode, an automated score was calculated to assess if this variant is too frequent to cause the disease. Based on the score and internal cut-off values, a variant classified as benign is not then subjected to further curation. The score for this variant resulted in a classification of benign for this disease.

Breakthrough Genomics
Classification: Benign. Review status: criteria provided, single submitter. Criteria: ACMG Guidelines, 2015. Collection method: not provided. Allele origin: germline. Inheritance: Autosomal recessive inheritance. Affected: yes.

PreventionGenetics, part of Exact Sciences
Classification: Benign. Review status: criteria provided, single submitter. Criteria: ACMG Guidelines, 2015. Collection method: clinical testing. Allele origin: germline.

Natera, Inc.
Classification: Benign for Fanconi anemia, group A. Last evaluated: 2019-08-23. Review status: no assertion criteria provided. Collection method: clinical testing. Allele origin: germline. Not counted in ClinVar's aggregate classification.

ITMI
No classification provided. Condition: AllHighlyPenetrant. Last evaluated: 2013-09-19. Review status: no classification provided. Collection method: reference population. Allele origin: germline. Not counted in ClinVar's aggregate classification.
Comment: Please see associated publication for description of ethnicities

Leiden Open Variation Database
Classification: Pathogenic for Fanconi anemia complementation group A. Last evaluated: 2020-02-28. Review status: flagged submission. Collection method: curation. Allele origin: germline. Affected: yes. Not counted in ClinVar's aggregate classification.
Comment: Curator: Arleen D. Auerbach. Submitter to LOVD: Arleen D. Auerbach.
ClinVar note: Reason: Outlier claim with insufficient supporting evidence

Literature cited by the submitters: PubMed 24728327 (cited by ITMI).

NM_000135.4(FANCA):c.3982A>G (p.Thr1328Ala)

Genes: FANCA (FA complementation group A; minus strand), ZNF276 (zinc finger protein 276; plus strand). Cytogenetic location: 16q24.3.
Variant type: single nucleotide variant.
Coding change: c.3982A>G on transcript NM_000135.4 (MANE Select); coding-DNA position 3982, A replaced by G.
Protein change: p.Thr1328Ala; replaces threonine 1328 with alanine.
Molecular consequence: missense variant. On other transcripts: 3 prime UTR variant (2), non-coding transcript variant (4).
Genome position (GRCh38, 1-based): chr16:89,739,506, T>C on the plus strand (A>G on the coding strand, the complement: FANCA is on the minus strand). VCF-style: chr16-89739506-T-C. GRCh37 (hg19) VCF-style: chr16-89805914-T-C.
Other names: c.3982A>G, p.Thr1328Ala (NM_001286167.3); c.*1260T>C (NM_001113525.2, NM_152287.4); short protein forms T1328A.
Identifiers: ClinVar variation 134278 (VCV000134278.37), dbSNP rs9282681, ClinGen allele CA159337.